The following is an entry in ClinVar:

ClinVar aggregate classification (germline): Pathogenic (1 of 4 stars; one submission).

Conditions:
Ehlers-Danlos syndrome, classic type, 1 (EDSCL1). Also called: EHLERS-DANLOS SYNDROME, GRAVIS TYPE; EHLERS-DANLOS SYNDROME, SEVERE CLASSIC TYPE; EDS I; Ehlers-Danlos Syndrome, Classic Type, COL5A1-Related; Ehlers-Danlos syndrome, type 1. Identifiers: MedGen C0268335, MONDO:0019567, OMIM 130000.

Submission:

Labcorp Genetics (formerly Invitae), Labcorp
Classification: Pathogenic for Ehlers-Danlos syndrome, classic type, 1. Last evaluated: 2020-06-01. Review status: criteria provided, single submitter. Criteria: Invitae Variant Classification Sherloc (09022015). Collection method: clinical testing. Allele origin: germline.
Comment: This variant has not been reported in the literature in individuals with COL5A1-related conditions. This variant is not present in population databases (ExAC no frequency). This sequence change creates a premature translational stop signal (p.Gly1363Valfs*125) in the COL5A1 gene. It is expected to result in an absent or disrupted protein product. Loss-of-function variants in COL5A1 are known to be pathogenic (PMID: 23587214). For these reasons, this variant has been classified as Pathogenic.

Literature cited by the submitters: PubMed 23587214.

NM_000093.5(COL5A1):c.4088del (p.Gly1363fs)

Gene: COL5A1 (collagen type V alpha 1 chain; plus strand). Cytogenetic location: 9q34.3.
Variant type: Deletion.
Coding change: c.4088del on transcript NM_000093.5 (MANE Select); coding-DNA position 4088, one base deleted (G; older notation c.4088delG).
Protein change: p.Gly1363fs; shifts the reading frame from glycine 1363.
Molecular consequence: frameshift variant.
Genome position (GRCh38, 1-based): chr9:134,815,954, G deleted; the last of 2 consecutive G bases (chr9:134,815,953-134,815,954); deleting either gives the same sequence. VCF-style (leftmost placement, unchanged base first): chr9-134815952-TG-T. GRCh37 (hg19) VCF-style: chr9-137707798-TG-T.
Other names: c.4088del, p.Gly1363fs (NM_001278074.1); short protein forms G1363fs.
Identifiers: ClinVar variation 1070542 (VCV001070542.8), dbSNP rs2132856138, ClinGen allele CA2499219763.